The following is an entry in ClinVar:

ClinVar aggregate classification (germline): Uncertain significance. Review status: criteria provided, single submitter (1 of 4 stars). 3 submissions from 3 submitters: Uncertain significance (1). 2 of the submissions do not count toward it. Last evaluated 2026-04-30.

Conditions:
Abnormal heart morphology. Also called: Abnormality of cardiac morphology; Heart, malformation of. Identifiers: MedGen C0018798, MeSH D006330, HP:0001627.
Intellectual developmental disorder, X-linked, syndromic 33. Also called: X-linked intellectual disability-global development delay-facial dysmorphism-sacral caudal remnant syndrome; Intellectual disability, X-linked, syndromic 33. Identifiers: Orphanet 480907, MedGen C4225418, MONDO:0010500, OMIM 300966.

Allele frequency attached by ClinVar (database versions not stated): ExAC 0.00001; gnomAD exomes 0.00001.

Submissions (3):

Victorian Clinical Genetics Services, Murdoch Childrens Research Institute
Classification: Uncertain significance for Intellectual developmental disorder, X-linked, syndromic 33. Last evaluated: 2026-04-30. Review status: criteria provided, single submitter. Criteria: ACMG Guidelines, 2015. Collection method: clinical testing. Allele origin: germline. Affected: yes.
Comment: This variant is classified as VUS-3A. Evidence in support of pathogenic classification: Variant is present in gnomAD <0.01 (v2: 1 heterozygote(s), 0 homozygote(s), 0 hemizygote(s)); Missense variant predicted to be damaging by in silico tool(s) or highly conserved with a major amino acid change. Additional information: Variant is predicted to result in a missense amino acid change from Arg to Gln; This variant is hemizygous; This gene is associated with X-linked disease. Females with heterozygous variants can be asymptomatic, however, there have been reports of affected females, usually with a milder form of disease (PMID: 20301662, 36879111); Alternative amino acid change(s) at the same position are present in gnomAD (highest allele count: v4: 1 heterozygote(s), 0 homozygote(s), 0 hemizygote(s)); Previous evidence of pathogenicity for this variant is inconclusive. This variant has been classified as a VUS by a clinical laboratory in ClinVar. This variant has been reported in the literature in a family with two brothers with a neurodevelopmental disorder. The variant was maternally inherited and classified as a VUS by the authors (PMID: 31646703); No published functional evidence has been identified for this variant; No comparable missense variants have previous evidence for pathogenicity; Variant is located in the annotated tandem bromodomain (PMID: 31646703). - Loss of function is a likely mechanism of disease in this gene and is associated with intellectual developmental disorder, X-linked, syndromic 33 (MIM#300966).

Yale Center for Mendelian Genomics, Yale University
Classification: association for Abnormal heart morphology. Last evaluated: 2020-06-13. Review status: no assertion criteria provided. Collection method: literature only. Allele origin: germline. Affected: yes. Observed: 1 heterozygote. Study: Yale Center for Mendelian Genomics. Not counted in ClinVar's aggregate classification.

Genome Medicine, Institute for Basic Research in Developmental Disabilities
Classification: Uncertain significance for Intellectual developmental disorder, X-linked, syndromic 33. Last evaluated: 2019-09-23. Review status: no assertion criteria provided. Collection method: clinical testing. Allele origin: maternal. Affected: yes. Not counted in ClinVar's aggregate classification.

Literature cited by the submitters: PubMed 36879111 (cited by Victorian Clinical Genetics Services, Murdoch Childrens Research Institute); PubMed 31646703 (cited by Victorian Clinical Genetics Services, Murdoch Childrens Research Institute); PubMed 20301662 (cited by Victorian Clinical Genetics Services, Murdoch Childrens Research Institute); PubMed 32396742 (cited by Yale Center for Mendelian Genomics, Yale University).

NM_004606.5(TAF1):c.4130G>A (p.Arg1377Gln)

Gene: TAF1 (TATA-box binding protein associated factor 1; plus strand). Cytogenetic location: Xq13.1.
Variant type: single nucleotide variant.
Coding change: c.4130G>A on transcript NM_004606.5 (MANE Select); coding-DNA position 4130, G replaced by A.
Protein change: p.Arg1377Gln; replaces arginine 1377 with glutamine.
Molecular consequence: missense variant. On other transcripts: non-coding transcript variant (9).
Genome position (GRCh38, 1-based): chrX:71,407,596, G>A. VCF-style: chrX-71407596-G-A. GRCh37 (hg19) VCF-style: chrX-70627446-G-A.
Other names: c.4130G>A, p.Arg1377Gln (NM_001286074.2); c.4067G>A, p.Arg1356Gln (NM_138923.4); short protein forms R1397Q, R1356Q, R1377Q.
Identifiers: ClinVar variation 694250 (VCV000694250.4), dbSNP rs748747814, ClinGen allele CA10447113.